The following is an entry in ClinVar:

ClinVar aggregate classification (germline): Uncertain significance. Review status: criteria provided, multiple submitters, no conflicts (2 of 4 stars). 4 submissions from 4 submitters: Uncertain significance (4). Last evaluated 2025-11-17.

Conditions:
Inborn genetic diseases. Identifiers: MedGen C0950123, MeSH D030342.
GNAT1-related disorder. Also called: GNAT1-related condition.

Allele frequency attached by ClinVar (database versions not stated): gnomAD exomes 0.00012; ExAC 0.00014; TOPMed 0.00014; ESP Exome Variant Server 0.00023.
gnomAD v4.1: 232 of 1,612,886 alleles (0.014%); highest among the groups gnomAD compares: Non-Finnish European, 0.018%; no homozygotes.

Submissions (4):

Labcorp Genetics (formerly Invitae), Labcorp
Classification: Uncertain significance. Last evaluated: 2025-11-17. Review status: criteria provided, single submitter. Criteria: Invitae Variant Classification Sherloc (09022015). Collection method: clinical testing. Allele origin: germline.
Comment: This sequence change replaces arginine, which is basic and polar, with glutamine, which is neutral and polar, at codon 125 of the GNAT1 protein (p.Arg125Gln). This variant is present in population databases (rs199611280, gnomAD 0.02%). This variant has not been reported in the literature in individuals affected with GNAT1-related conditions. ClinVar contains an entry for this variant (Variation ID: 1009269). Invitae Evidence Modeling of protein sequence and biophysical properties (such as structural, functional, and spatial information, amino acid conservation, physicochemical variation, residue mobility, and thermodynamic stability) indicates that this missense variant is not expected to disrupt GNAT1 protein function with a negative predictive value of 80%. In summary, the available evidence is currently insufficient to determine the role of this variant in disease. Therefore, it has been classified as a Variant of Uncertain Significance.

PreventionGenetics, part of Exact Sciences
Classification: Uncertain significance for GNAT1-related condition. Last evaluated: 2025-09-24. Review status: criteria provided, single submitter. Criteria: ACMG Guidelines, 2015. Collection method: clinical testing. Allele origin: germline.
Comment: The GNAT1 c.374G>A variant is predicted to result in the amino acid substitution p.Arg125Gln. To our knowledge, this variant has not been reported in the literature. This variant is present in 0.021% of alleles in individuals of European (Non-Finnish) descent in gnomAD. At this time, the clinical significance of this variant is uncertain due to the absence of conclusive functional and genetic evidence.

Blueprint Genetics
Classification: Uncertain significance. Last evaluated: 2023-08-04. Review status: criteria provided, single submitter. Criteria: ACMG Guidelines, 2015. Collection method: clinical testing. Allele origin: germline.

Ambry Genetics
Classification: Uncertain significance for Inborn genetic diseases. Last evaluated: 2023-02-07. Review status: criteria provided, single submitter. Criteria: Ambry Variant Classification Scheme 2023. Collection method: clinical testing. Allele origin: germline.

NM_144499.3(GNAT1):c.374G>A (p.Arg125Gln)

Gene: GNAT1 (G protein subunit alpha transducin 1; plus strand). Cytogenetic location: 3p21.31.
Variant type: single nucleotide variant.
Coding change: c.374G>A on transcript NM_144499.3 (MANE Select); coding-DNA position 374, G replaced by A.
Protein change: p.Arg125Gln; replaces arginine 125 with glutamine.
Molecular consequence: missense variant.
Genome position (GRCh38, 1-based): chr3:50,193,588, G>A. VCF-style: chr3-50193588-G-A. GRCh37 (hg19) VCF-style: chr3-50231021-G-A.
Other names: c.374G>A (NM_144499.2); c.374G>A, p.Arg125Gln (NM_000172.4); short protein forms R125Q.
Identifiers: ClinVar variation 1009269 (VCV001009269.9), dbSNP rs199611280, ClinGen allele CA2412546.